The following is an entry in ClinVar:

NC_000012.11:g.(?_121163689)_(121438995_?)del

Genes: ACADS (acyl-CoA dehydrogenase short chain; plus strand), HNF1A (HNF1 homeobox A; plus strand), SPPL3 (signal peptide peptidase like 3; minus strand). Cytogenetic location: 12q24.31.
Variant type: Deletion.
Identifiers: ClinVar variation 3244257 (VCV003244257.1).

ClinVar aggregate classification (germline): Pathogenic (1 of 4 stars; one submission).

Conditions:
Deficiency of butyryl-CoA dehydrogenase (ACADSD). Also called: ACYL-CoA DEHYDROGENASE, SHORT-CHAIN, DEFICIENCY OF; ACADS DEFICIENCY; SCADH DEFICIENCY; SCAD DEFICIENCY, MILD; SCAD Deficiency; Short-Chain Acyl-CoA Dehydrogenase Deficiency. Identifiers: Orphanet 26792, MedGen C0342783, MONDO:0008722, OMIM 201470. Disease mechanism: May be benign.

Submission:

Labcorp Genetics (formerly Invitae), Labcorp
Classification: Pathogenic for Deficiency of butyryl-CoA dehydrogenase. Last evaluated: 2022-12-03. Review status: criteria provided, single submitter. Criteria: Invitae Variant Classification Sherloc (09022015). Collection method: clinical testing. Allele origin: unknown.
Comment: For these reasons, this variant has been classified as Pathogenic. This variant has not been reported in the literature in individuals affected with ACADS-related conditions. A gross deletion of the genomic region encompassing the full coding sequence of the ACADS gene has been identified. Loss-of-function variants in ACADS are known to be pathogenic (PMID: 12736383, 18523805). The boundaries of this event are unknown as they extend beyond the assayed region for this gene and therefore may encompass additional genes.

Literature cited by the submitters: PubMed 12736383; PubMed 18523805.